The following is an entry in ClinVar:

NM_000535.7(PMS2):c.2511G>A (p.Met837Ile)

Gene: PMS2 (PMS1 homolog 2, mismatch repair system component; minus strand). Cytogenetic location: 7p22.1.
Variant type: single nucleotide variant.
Coding change: c.2511G>A on transcript NM_000535.7 (MANE Select); coding-DNA position 2511, G replaced by A.
Protein change: p.Met837Ile; replaces methionine 837 with isoleucine.
Molecular consequence: missense variant. On other transcripts: non-coding transcript variant (1).
Genome position (GRCh38, 1-based): chr7:5,973,477, C>T on the plus strand (G>A on the coding strand, the complement: PMS2 is on the minus strand). VCF-style: chr7-5973477-C-T. GRCh37 (hg19) VCF-style: chr7-6013108-C-T.
Other names: c.2106G>A, p.Met702Ile (NM_001322003.2, NM_001322004.2, NM_001322005.2); c.2355G>A, p.Met785Ile (NM_001322006.2); c.2193G>A, p.Met731Ile (NM_001322007.2, NM_001322008.2); c.2139G>A, p.Met713Ile (NM_001322009.2); c.1950G>A, p.Met650Ile (NM_001322010.2); c.1578G>A, p.Met526Ile (NM_001322011.2, NM_001322012.2); c.1938G>A, p.Met646Ile (NM_001322013.2); c.2544G>A, p.Met848Ile (NM_001322014.2); and 1 more; short protein forms M837I, M785I, M526I, M650I, M734I, M848I, M702I, M713I.
Identifiers: ClinVar variation 480312 (VCV000480312.14), dbSNP rs1554292802, ClinGen allele CA366734900.

ClinVar aggregate classification (germline): Uncertain significance. Review status: criteria provided, multiple submitters, no conflicts (2 of 4 stars). 2 submissions from 2 submitters: Uncertain significance (2). Last evaluated 2022-09-20.

Conditions:
Hereditary nonpolyposis colorectal neoplasms. Identifiers: MedGen C0009405, MeSH D003123.
Hereditary cancer-predisposing syndrome. Also called: Hereditary Cancer Syndrome; Neoplastic Syndromes, Hereditary; Tumor predisposition; Hereditary neoplastic syndrome. Identifiers: Orphanet 140162, MedGen C0027672, MeSH D009386, MONDO:0015356.

Submissions (2):

Ambry Genetics
Classification: Uncertain significance for Hereditary cancer-predisposing syndrome. Last evaluated: 2022-09-20. Review status: criteria provided, single submitter. Criteria: Ambry Variant Classification Scheme 2023. Collection method: clinical testing. Allele origin: germline.
Comment: The p.M837I variant (also known as c.2511G>A), located in coding exon 15 of the PMS2 gene, results from a G to A substitution at nucleotide position 2511. The methionine at codon 837 is replaced by isoleucine, an amino acid with highly similar properties. This amino acid position is not well conserved in available vertebrate species. In addition, this alteration is predicted to be tolerated by in silico analysis. Since supporting evidence is limited at this time, the clinical significance of this alteration remains unclear.

Labcorp Genetics (formerly Invitae), Labcorp
Classification: Uncertain significance for Hereditary nonpolyposis colorectal neoplasms. Last evaluated: 2020-09-02. Review status: criteria provided, single submitter. Criteria: Invitae Variant Classification Sherloc (09022015). Collection method: clinical testing. Allele origin: germline.
Comment: This variant has not been reported in the literature in individuals with PMS2-related conditions. ClinVar contains an entry for this variant (Variation ID: 480312). The frequency data for this variant in the population databases (ExAC) is considered unreliable due to the presence of homologous sequence, such as pseudogenes or paralogs, in the genome. This sequence change replaces methionine with isoleucine at codon 837 of the PMS2 protein (p.Met837Ile). The methionine residue is weakly conserved and there is a small physicochemical difference between methionine and isoleucine. In summary, the available evidence is currently insufficient to determine the role of this variant in disease. Therefore, it has been classified as a Variant of Uncertain Significance. Advanced modeling of protein sequence and biophysical properties (such as structural, functional, and spatial information, amino acid conservation, physicochemical variation, residue mobility, and thermodynamic stability) performed at Invitae indicates that this missense variant is not expected to disrupt PMS2 protein function.